The following is an entry in ClinVar:

NM_000455.5(STK11):c.1152G>T (p.Arg384=)

Gene: STK11 (serine/threonine kinase 11; plus strand). Cytogenetic location: 19p13.3.
Variant type: single nucleotide variant.
Coding change: c.1152G>T on transcript NM_000455.5 (MANE Select); coding-DNA position 1152, G replaced by T.
Protein change: p.Arg384=; no amino-acid change (arginine 384 retained).
Molecular consequence: synonymous variant.
Genome position (GRCh38, 1-based): chr19:1,226,497, G>T. VCF-style: chr19-1226497-G-T. GRCh37 (hg19) VCF-style: chr19-1226496-G-T.
Identifiers: ClinVar variation 184481 (VCV000184481.14), dbSNP rs786201491, ClinGen allele CA022373.
Genomic context (GRCh38, chr19:1,226,497, plus strand): 5'-TGCCGTCTCCCTCCCAGGACAGGTCCCAGAAGAGGAGGCCAGTCACAATGGACAGCGCCG[G>T]GGCCTCCCCAAGGCCGTGTGTATGAACGGCACAGAGGCGGCGCAGCTGAGCACCAAATCC-3'
Protein context (NP_000446.1, residues 374-394): EEEASHNGQR[Arg384=]GLPKAVCMNG

ClinVar aggregate classification (germline): Benign/Likely benign. Review status: criteria provided, multiple submitters, no conflicts (2 of 4 stars). 3 submissions from 3 submitters: Benign (1); Likely benign (2). Last evaluated 2025-03-28.

Conditions:
Hereditary cancer-predisposing syndrome. Also called: Tumor predisposition; Hereditary Cancer Syndrome; Hereditary neoplastic syndrome; Neoplastic Syndromes, Hereditary. Identifiers: Orphanet 140162, MedGen C0027672, MeSH D009386, MONDO:0015356.
Peutz-Jeghers syndrome (PJS). Also called: POLYPOSIS, HAMARTOMATOUS INTESTINAL; POLYPS-AND-SPOTS SYNDROME; Peutz-Jeghers polyposis; Periorificial lentiginosis syndrome. Identifiers: Orphanet 2869, MedGen C0031269, MeSH D010580, MONDO:0008280, OMIM 175200.

Allele frequency attached by ClinVar (database versions not stated): gnomAD exomes below 0.00001.
gnomAD v4.1: 1 of 1,611,228 alleles (0.000062%); highest among the groups gnomAD compares: African/African-American, 0.0013%; no homozygotes.

Submissions (3):

Myriad Genetics, Inc.
Classification: Benign for Peutz-Jeghers syndrome. Last evaluated: 2025-03-28. Review status: criteria provided, single submitter. Criteria: Myriad Autosomal Dominant, Autosomal Recessive and X-Linked Classification Criteria (2023). Collection method: clinical testing. Allele origin: unknown.
Comment: This variant is considered benign. This variant is a silent/synonymous amino acid change and it is not expected to impact splicing.

Labcorp Genetics (formerly Invitae), Labcorp
Classification: Likely benign for Peutz-Jeghers syndrome. Last evaluated: 2024-12-03. Review status: criteria provided, single submitter. Criteria: Invitae Variant Classification Sherloc (09022015). Collection method: clinical testing. Allele origin: germline.

Ambry Genetics
Classification: Likely benign for Hereditary cancer-predisposing syndrome. Last evaluated: 2019-12-30. Review status: criteria provided, single submitter. Criteria: Ambry Variant Classification Scheme 2023. Collection method: clinical testing. Allele origin: germline.